The following is an entry in ClinVar:

NM_001852.4(COL9A2):c.1839C>A (p.His613Gln)

Gene: COL9A2 (collagen type IX alpha 2 chain; minus strand). Cytogenetic location: 1p34.2.
Variant type: single nucleotide variant.
Coding change: c.1839C>A on transcript NM_001852.4 (MANE Select); coding-DNA position 1839, C replaced by A.
Protein change: p.His613Gln; replaces histidine 613 with glutamine.
Molecular consequence: missense variant.
Genome position (GRCh38, 1-based): chr1:40,301,843, G>T on the plus strand (C>A on the coding strand, the complement: COL9A2 is on the minus strand). VCF-style: chr1-40301843-G-T. GRCh37 (hg19) VCF-style: chr1-40767515-G-T.
Other names: short protein forms H613Q.
Identifiers: ClinVar variation 3682285 (VCV003682285.2).

ClinVar aggregate classification (germline): Uncertain significance (1 of 4 stars; one submission).

Submission:

Labcorp Genetics (formerly Invitae), Labcorp
Classification: Uncertain significance. Last evaluated: 2024-07-09. Review status: criteria provided, single submitter. Criteria: Invitae Variant Classification Sherloc (09022015). Collection method: clinical testing. Allele origin: germline.
Comment: This sequence change replaces histidine, which is basic and polar, with glutamine, which is neutral and polar, at codon 613 of the COL9A2 protein (p.His613Gln). This variant is not present in population databases (gnomAD no frequency). This variant has not been reported in the literature in individuals affected with COL9A2-related conditions. Advanced modeling of protein sequence and biophysical properties (such as structural, functional, and spatial information, amino acid conservation, physicochemical variation, residue mobility, and thermodynamic stability) performed at Invitae indicates that this missense variant is not expected to disrupt COL9A2 protein function with a negative predictive value of 95%. In summary, the available evidence is currently insufficient to determine the role of this variant in disease. Therefore, it has been classified as a Variant of Uncertain Significance.